The following is an entry in ClinVar:

NM_019098.5(CNGB3):c.143del (p.Gly48fs)

Gene: CNGB3 (cyclic nucleotide gated channel subunit beta 3; minus strand). Cytogenetic location: 8q21.3.
Variant type: Deletion.
Coding change: c.143del on transcript NM_019098.5 (MANE Select); coding-DNA position 143, one base deleted (G; older notation c.143delG).
Protein change: p.Gly48fs; shifts the reading frame from glycine 48.
Molecular consequence: frameshift variant.
Genome position (GRCh38, 1-based): chr8:86,739,723, C deleted on the plus strand (G on the coding strand, the reverse complement: CNGB3 is on the minus strand); the first of 2 consecutive C bases (chr8:86,739,723-86,739,724); deleting either gives the same sequence. VCF-style (leftmost placement, unchanged base first): chr8-86739722-AC-A. GRCh37 (hg19) VCF-style: chr8-87751950-AC-A.
Other names: short protein forms G48fs.
Identifiers: ClinVar variation 5016283 (VCV005016283.1).

ClinVar aggregate classification (germline): Pathogenic (1 of 4 stars; one submission).

Conditions:
Achromatopsia 3 (ACHM3). Also called: ACHROMATOPSIA WITH MYOPIA; PINGELAPESE BLINDNESS; TOTAL COLORBLINDNESS WITH MYOPIA; ROD MONOCHROMACY 1; ROD MONOCHROMATISM 1. Identifiers: Orphanet 49382, MedGen C1849792, MONDO:0009875, OMIM 262300.

Submission:

Myriad Genetics, Inc.
Classification: Pathogenic for Achromatopsia 3. Last evaluated: 2026-08-27. Review status: criteria provided, single submitter. Criteria: Myriad Autosomal Dominant, Autosomal Recessive and X-Linked Classification Criteria (2023). Collection method: clinical testing. Allele origin: unknown.
Comment: NM_019098.4(CNGB3):c.143delG(G48Vfs*35) is expected to be pathogenic in the context of achromatopsia, CNGB3-related. This variant is predicted to lead to an abnormal or absent protein product due to the creation of a premature termination codon in CNGB3, a gene where loss-of-function variants are known to be pathogenic. Please note: this variant was assessed in the context of healthy population screening.